The following is an entry in ClinVar:

ClinVar aggregate classification (germline): Uncertain significance. Review status: criteria provided, multiple submitters, no conflicts (2 of 4 stars). 2 submissions from 2 submitters: Uncertain significance (2). Last evaluated 2025-06-25.

Conditions:
Retinoblastoma (RB1). Also called: RETINOBLASTOMA, SOMATIC. Identifiers: Orphanet 790, MedGen C0035335, MeSH D012175, MONDO:0008380, OMIM 180200, HP:0009919. Disease mechanism: loss of function. Inheritance: Both sporadic and heritable forms are tested..
Hereditary cancer-predisposing syndrome. Also called: Tumor predisposition; Hereditary neoplastic syndrome; Hereditary Cancer Syndrome; Neoplastic Syndromes, Hereditary. Identifiers: Orphanet 140162, MedGen C0027672, MeSH D009386, MONDO:0015356.

Submissions (2):

Labcorp Genetics (formerly Invitae), Labcorp
Classification: Uncertain significance for Retinoblastoma. Last evaluated: 2025-06-25. Review status: criteria provided, single submitter. Criteria: Invitae Variant Classification Sherloc (09022015). Collection method: clinical testing. Allele origin: germline.
Comment: This sequence change replaces histidine, which is basic and polar, with proline, which is neutral and non-polar, at codon 129 of the RB1 protein (p.His129Pro). This variant is not present in population databases (gnomAD no frequency). This variant has not been reported in the literature in individuals affected with RB1-related conditions. Invitae Evidence Modeling of protein sequence and biophysical properties (such as structural, functional, and spatial information, amino acid conservation, physicochemical variation, residue mobility, and thermodynamic stability) indicates that this missense variant is not expected to disrupt RB1 protein function with a negative predictive value of 80%. In summary, the available evidence is currently insufficient to determine the role of this variant in disease. Therefore, it has been classified as a Variant of Uncertain Significance.

Ambry Genetics
Classification: Uncertain significance for Hereditary cancer-predisposing syndrome. Last evaluated: 2025-03-15. Review status: criteria provided, single submitter. Criteria: Ambry Variant Classification Scheme 2023. Collection method: clinical testing. Allele origin: germline.
Comment: The p.H129P variant (also known as c.386A>C), located in coding exon 4 of the RB1 gene, results from an A to C substitution at nucleotide position 386. The histidine at codon 129 is replaced by proline, an amino acid with similar properties. This amino acid position is conserved. In addition, this alteration is predicted to be tolerated by in silico analysis. Based on the available evidence, the clinical significance of this variant remains unclear.

NM_000321.3(RB1):c.386A>C (p.His129Pro)

Gene: RB1 (RB transcriptional corepressor 1; plus strand). Cytogenetic location: 13q14.2.
Variant type: single nucleotide variant.
Coding change: c.386A>C on transcript NM_000321.3 (MANE Select); coding-DNA position 386, A replaced by C.
Protein change: p.His129Pro; replaces histidine 129 with proline.
Molecular consequence: missense variant.
Genome position (GRCh38, 1-based): chr13:48,345,085, A>C. VCF-style: chr13-48345085-A-C. GRCh37 (hg19) VCF-style: chr13-48919221-A-C.
Other names: c.386A>C, p.His129Pro (NM_001407165.1, NM_001407166.1); short protein forms H129P.
Identifiers: ClinVar variation 3943324 (VCV003943324.2).